The following is an entry in ClinVar:

ClinVar aggregate classification (germline): Uncertain significance (1 of 4 stars; one submission).

Conditions:
LAMA2-related muscular dystrophy (LAMA2-RD). Also called: Laminin alpha 2-related dystrophy. Identifiers: MedGen C5679788, MONDO:0100228.

Submission:

Labcorp Genetics (formerly Invitae), Labcorp
Classification: Uncertain significance for LAMA2-related muscular dystrophy. Last evaluated: 2024-02-24. Review status: criteria provided, single submitter. Criteria: Invitae Variant Classification Sherloc (09022015). Collection method: clinical testing. Allele origin: germline.
Comment: This sequence change replaces serine, which is neutral and polar, with leucine, which is neutral and non-polar, at codon 1624 of the LAMA2 protein (p.Ser1624Leu). This variant is not present in population databases (gnomAD no frequency). This variant has not been reported in the literature in individuals affected with LAMA2-related conditions. ClinVar contains an entry for this variant (Variation ID: 638959). Advanced modeling of protein sequence and biophysical properties (such as structural, functional, and spatial information, amino acid conservation, physicochemical variation, residue mobility, and thermodynamic stability) performed at Invitae indicates that this missense variant is not expected to disrupt LAMA2 protein function with a negative predictive value of 95%. In summary, the available evidence is currently insufficient to determine the role of this variant in disease. Therefore, it has been classified as a Variant of Uncertain Significance.

NM_000426.4(LAMA2):c.4871C>T (p.Ser1624Leu)

Gene: LAMA2 (laminin subunit alpha 2; plus strand). Cytogenetic location: 6q22.33.
Variant type: single nucleotide variant.
Coding change: c.4871C>T on transcript NM_000426.4 (MANE Select); coding-DNA position 4871, C replaced by T.
Protein change: p.Ser1624Leu; replaces serine 1624 with leucine.
Molecular consequence: missense variant.
Genome position (GRCh38, 1-based): chr6:129,369,902, C>T. VCF-style: chr6-129369902-C-T. GRCh37 (hg19) VCF-style: chr6-129691047-C-T.
Other names: c.4871C>T, p.Ser1624Leu (NM_001079823.2); short protein forms S1624L.
Identifiers: ClinVar variation 638959 (VCV000638959.9), dbSNP rs1583591188, ClinGen allele CA365624206.